The following is an entry in ClinVar:

ClinVar aggregate classification (germline): Likely benign (0 of 4 stars; one submission).

Conditions:
SEMA4D-related disorder. Also called: SEMA4D-related condition.

gnomAD v4.1: 20 of 1,610,790 alleles (0.0012%); highest among the groups gnomAD compares: Non-Finnish European, 0.0017%; no homozygotes.

Submission:

PreventionGenetics, part of Exact Sciences
Classification: Likely benign for SEMA4D-related condition. Last evaluated: 2024-05-28. Review status: no assertion criteria provided. Collection method: clinical testing. Allele origin: germline.
Comment: This variant is classified as likely benign based on ACMG/AMP sequence variant interpretation guidelines (Richards et al. 2015 PMID: 25741868, with internal and published modifications).

NM_001371194.2(SEMA4D):c.1020G>C (p.Gly340=)

Gene: SEMA4D (semaphorin 4D; minus strand). Cytogenetic location: 9q22.2.
Variant type: single nucleotide variant.
Coding change: c.1020G>C on transcript NM_001371194.2 (MANE Select); coding-DNA position 1020, G replaced by C.
Protein change: p.Gly340=; no amino-acid change (glycine 340 retained).
Molecular consequence: synonymous variant. On other transcripts: non-coding transcript variant (6).
Genome position (GRCh38, 1-based): chr9:89,388,723, C>G on the plus strand (G>C on the coding strand, the complement: SEMA4D is on the minus strand). VCF-style: chr9-89388723-C-G. GRCh37 (hg19) VCF-style: chr9-92003638-C-G.
Other names: c.1020G>C, p.Gly340= (NM_001142287.2, NM_001371195.1, NM_001371196.1 and 7 more transcripts).
Identifiers: ClinVar variation 3351698 (VCV003351698.1).